The following is an entry in ClinVar:

NM_007194.4(CHEK2):c.1259+14T>C

Gene: CHEK2 (checkpoint kinase 2; minus strand). Cytogenetic location: 22q12.1.
Variant type: single nucleotide variant.
Coding change: c.1259+14T>C on transcript NM_007194.4 (MANE Select); 14 bases into the intron after coding-DNA position 1259, T replaced by C.
Molecular consequence: intron variant.
Genome position (GRCh38, 1-based): chr22:28,695,696, A>G on the plus strand (T>C on the coding strand, the complement: CHEK2 is on the minus strand). VCF-style: chr22-28695696-A-G. GRCh37 (hg19) VCF-style: chr22-29091684-A-G.
Other names: c.596+14T>C (NM_001437942.1, NM_001257387.3); c.1058+14T>C (NM_001349956.3); c.1172+14T>C (NM_145862.3); c.1265+14T>C (NM_001438295.1); c.1352+14T>C (NM_001438293.1); c.1301+14T>C (NM_001438294.1); c.1388+14T>C (NM_001005735.3).
Identifiers: ClinVar variation 518146 (VCV000518146.6), dbSNP rs780245762, ClinGen allele CA658799506.

ClinVar aggregate classification (germline): Likely benign. Review status: criteria provided, multiple submitters, no conflicts (2 of 4 stars). 3 submissions from 3 submitters: Likely benign (3). Last evaluated 2023-10-04.

Conditions:
Hereditary cancer-predisposing syndrome. Also called: Tumor predisposition; Hereditary neoplastic syndrome; Neoplastic Syndromes, Hereditary; Hereditary Cancer Syndrome. Identifiers: Orphanet 140162, MedGen C0027672, MeSH D009386, MONDO:0015356.
Familial cancer of breast. Also called: BREAST CANCER, FAMILIAL; hereditary breast carcinoma; Hereditary breast cancer. Identifiers: Orphanet 227535, MedGen C0346153, MONDO:0016419, OMIM 114480. Disease mechanism: loss of function.

Submissions (3):

Labcorp Genetics (formerly Invitae), Labcorp
Classification: Likely benign for Familial cancer of breast. Last evaluated: 2023-10-04. Review status: criteria provided, single submitter. Criteria: Invitae Variant Classification Sherloc (09022015). Collection method: clinical testing. Allele origin: germline.

Color Diagnostics, LLC DBA Color Health
Classification: Likely benign for Hereditary cancer-predisposing syndrome. Last evaluated: 2018-07-16. Review status: criteria provided, single submitter. Criteria: ACMG Guidelines, 2015. Collection method: clinical testing. Allele origin: germline.

GeneDx
Classification: Likely benign. Last evaluated: 2017-06-27. Review status: criteria provided, single submitter. Criteria: GeneDx Variant Classification (06012015). Collection method: clinical testing. Allele origin: germline. Affected: yes.
Comment: This variant is considered likely benign or benign based on one or more of the following criteria: it is a conservative change, it occurs at a poorly conserved position in the protein, it is predicted to be benign by multiple in silico algorithms, and/or has population frequency not consistent with disease.